The following is an entry in ClinVar:

NM_021930.6(RINT1):c.-4C>T

Gene: RINT1 (RAD50 interactor 1; plus strand). Cytogenetic location: 7q22.3.
Variant type: single nucleotide variant.
Coding change: c.-4C>T on transcript NM_021930.6 (MANE Select); 4 bases upstream of the start codon, C replaced by T.
Molecular consequence: 5 prime UTR variant. On other transcripts: non-coding transcript variant (1).
Genome position (GRCh38, 1-based): chr7:105,532,312, C>T. VCF-style: chr7-105532312-C-T. GRCh37 (hg19) VCF-style: chr7-105172759-C-T.
Other names: c.-101C>T (NM_001346599.2); c.-1023C>T (NM_001346600.2); c.-926C>T (NM_001346601.2); c.-546C>T (NM_001346603.2).
Identifiers: ClinVar variation 2622748 (VCV002622748.2), dbSNP rs1790065210, ClinGen allele CA1105473638.
Genomic context (GRCh38, chr7:105,532,312, plus strand): 5'-CCTTAGCCAGACTCCACAGGCCACGCTGGCTGCGAATGGAGCCGAGGACTCGCGCGGAGG[C>T]GAGATGCTACCAGCCGGCGAGATCGGCGCCTCTCCTGCAGCCCCGGTGAGACGGCCCTGG-3'

ClinVar aggregate classification (germline): Uncertain significance (1 of 4 stars; one submission).

Allele frequency attached by ClinVar (database versions not stated): TOPMed below 0.00001; gnomAD 0.00001.

Submission:

Ambry Genetics
Classification: Uncertain significance. Last evaluated: 2023-08-10. Review status: criteria provided, single submitter. Criteria: Ambry Variant Classification Scheme 2023. Collection method: clinical testing. Allele origin: germline.
Comment: The c.-4C>T variant is located in the 5' untranslated region (5&rsquo; UTR) of the RINT1 gene. This variant results from a C to T substitution 4 bases upstream from the first translated codon. The evidence for this gene-disease relationship is limited; therefore, the clinical significance of this alteration is unclear.